The following is an entry in ClinVar:

ClinVar aggregate classification (germline): Pathogenic (1 of 4 stars; one submission).

Conditions:
Tuberous sclerosis 1 (TSC1). Identifiers: Orphanet 805, MedGen C1854465, MONDO:0008612, OMIM 191100.

Submission:

Labcorp Genetics (formerly Invitae), Labcorp
Classification: Pathogenic for Tuberous sclerosis 1. Last evaluated: 2024-08-31. Review status: criteria provided, single submitter. Criteria: Invitae Variant Classification Sherloc (09022015). Collection method: clinical testing. Allele origin: germline.
Comment: This sequence change creates a premature translational stop signal (p.Gln739Serfs*2) in the TSC1 gene. It is expected to result in an absent or disrupted protein product. Loss-of-function variants in TSC1 are known to be pathogenic (PMID: 10227394, 17304050). This variant is not present in population databases (gnomAD no frequency). This variant has not been reported in the literature in individuals affected with TSC1-related conditions. For these reasons, this variant has been classified as Pathogenic.

Literature cited by the submitters: PubMed 10227394; PubMed 17304050.

NM_000368.5(TSC1):c.2214del (p.Gln739fs)

Gene: TSC1 (TSC complex subunit 1; minus strand). Cytogenetic location: 9q34.13.
Variant type: Deletion.
Coding change: c.2214del on transcript NM_000368.5 (MANE Select); coding-DNA position 2214, one base deleted (T; older notation c.2214delT).
Protein change: p.Gln739fs; shifts the reading frame from glutamine 739.
Molecular consequence: frameshift variant. On other transcripts: non-coding transcript variant (5).
Genome position (GRCh38, 1-based): chr9:132,902,782, A deleted on the plus strand (T on the coding strand, the reverse complement: TSC1 is on the minus strand). VCF-style (leftmost placement, unchanged base first): chr9-132902781-GA-G. GRCh37 (hg19) VCF-style: chr9-135778168-GA-G.
Other names: c.2214del, p.Gln739fs (NM_001406592.1, NM_001406593.1, NM_001406594.1 and 5 more transcripts); c.2211del, p.Gln738fs (NM_001406597.1, NM_001406598.1, NM_001406599.1 and 4 more transcripts); c.2199del, p.Gln734fs (NM_001406601.1, NM_001406602.1); c.2196del, p.Gln733fs (NM_001406603.1, NM_001406604.1); c.2061del, p.Gln688fs (NM_001406610.1, NM_001162427.2); c.2058del, p.Gln687fs (NM_001406611.1, NM_001406612.1, NM_001406613.1); c.1851del, p.Gln618fs (NM_001406614.1, NM_001406615.1, NM_001406616.1 and 5 more transcripts); c.1848del, p.Gln617fs (NM_001406620.1, NM_001406621.1, NM_001406622.1 and 2 more transcripts); and 3 more; short protein forms Q422fs, Q617fs, Q688fs, Q738fs, Q618fs, Q734fs, Q739fs, Q687fs.
Identifiers: ClinVar variation 3659634 (VCV003659634.2).
Genomic context (GRCh38, chr9:132,902,781, plus strand): 5'-CTTGTTCTTTCTGCAGACTAACCTTCCACATCTGGATGTCCTTCTCTTGTAACTTCAACT[GA>G]TCTTTCTAGCAGAGACCAGAAATGTCATCATTTTAGCTGTCTTCCAACACAGGCAATTTA-3'